The following is an entry in ClinVar:

ClinVar aggregate classification (germline): Uncertain significance. Review status: criteria provided, multiple submitters, no conflicts (2 of 4 stars). 2 submissions from 2 submitters: Uncertain significance (2). Last evaluated 2025-03-20.

Conditions:
Primary familial hypertrophic cardiomyopathy (HCM). Identifiers: Orphanet 99739, MedGen C0949658, MeSH D024741, MONDO:0024573. Inheritance: Various modes of inheritance.

Allele frequency attached by ClinVar (database versions not stated): gnomAD exomes below 0.00001.

Submissions (2):

Labcorp Genetics (formerly Invitae), Labcorp
Classification: Uncertain significance for Primary familial hypertrophic cardiomyopathy. Last evaluated: 2025-03-20. Review status: criteria provided, single submitter. Criteria: Invitae Variant Classification Sherloc (09022015). Collection method: clinical testing. Allele origin: germline.
Comment: This sequence change replaces serine, which is neutral and polar, with proline, which is neutral and non-polar, at codon 186 of the ILK protein (p.Ser186Pro). This variant is not present in population databases (gnomAD no frequency). This variant has not been reported in the literature in individuals affected with ILK-related conditions. ClinVar contains an entry for this variant (Variation ID: 2242825). An algorithm developed to predict the effect of missense changes on protein structure and function (PolyPhen-2) suggests that this variant is likely to be tolerated. In summary, the available evidence is currently insufficient to determine the role of this variant in disease. Therefore, it has been classified as a Variant of Uncertain Significance.

Ambry Genetics
Classification: Uncertain significance. Last evaluated: 2024-11-01. Review status: criteria provided, single submitter. Criteria: Ambry Variant Classification Scheme 2023. Collection method: clinical testing. Allele origin: germline.
Comment: The p.S186P variant (also known as c.556T>C), located in coding exon 6 of the ILK gene, results from a T to C substitution at nucleotide position 556. The serine at codon 186 is replaced by proline, an amino acid with similar properties. This amino acid position is conserved. In addition, the in silico prediction for this alteration is inconclusive. Based on the available evidence, the clinical significance of this variant remains unclear.

NM_004517.4(ILK):c.556T>C (p.Ser186Pro)

Genes: ILK (integrin linked kinase; plus strand), TAF10 (TATA-box binding protein associated factor 10; minus strand). Cytogenetic location: 11p15.4.
Variant type: single nucleotide variant.
Coding change: c.556T>C on transcript NM_004517.4 (MANE Select); coding-DNA position 556, T replaced by C.
Protein change: p.Ser186Pro; replaces serine 186 with proline.
Molecular consequence: missense variant. On other transcripts: 3 prime UTR variant (1), intron variant (1).
Genome position (GRCh38, 1-based): chr11:6,609,094, T>C. VCF-style: chr11-6609094-T-C. GRCh37 (hg19) VCF-style: chr11-6630325-T-C.
Other names: c.556T>C, p.Ser186Pro (NM_001014794.3, NM_001014795.3); c.154T>C, p.Ser52Pro (NM_001278442.2); c.*1828A>G (NM_006284.4); c.435+127T>C (NM_001278441.2); short protein forms S186P, S52P.
Identifiers: ClinVar variation 2242825 (VCV002242825.4), dbSNP rs2493769779, ClinGen allele CA379460582.